The following is an entry in ClinVar:

NM_001171613.2(PREPL):c.-49+1840C>T

Gene: PREPL (prolyl endopeptidase like; minus strand). Cytogenetic location: 2p21.
Variant type: single nucleotide variant.
Coding change: c.-49+1840C>T on transcript NM_001171613.2 (MANE Select); 1840 bases into the intron after 49 bases upstream of the start codon, C replaced by T.
Molecular consequence: intron variant. On other transcripts: missense variant (7).
Genome position (GRCh38, 1-based): chr2:44,359,540, G>A on the plus strand (C>T on the coding strand, the complement: PREPL is on the minus strand). VCF-style: chr2-44359540-G-A. GRCh37 (hg19) VCF-style: chr2-44586679-G-A.
Other names: c.176C>T, p.Ser59Leu (NM_001042385.2, NM_001042386.2, NM_001171603.1 and 4 more transcripts); c.-49+1984C>T (NM_001171617.1); c.-49+1877C>T (NM_001374277.1); short protein forms S59L.
Identifiers: ClinVar variation 1910732 (VCV001910732.4), dbSNP rs1392001224, ClinGen allele CA346694813.

ClinVar aggregate classification (germline): Uncertain significance. Review status: criteria provided, multiple submitters, no conflicts (2 of 4 stars). 2 submissions from 2 submitters: Uncertain significance (2). Last evaluated 2022-07-13.

Conditions:
Inborn genetic diseases. Identifiers: MedGen C0950123, MeSH D030342.
Myasthenic syndrome, congenital, 22 (CMS22). Also called: PREPL DEFICIENCY. Identifiers: MedGen C4479088, MONDO:0044299, OMIM 616224.

Allele frequency attached by ClinVar (database versions not stated): gnomAD 0.00001; gnomAD exomes 0.00002.
gnomAD v4.1: 12 of 1,613,242 alleles (0.00074%); highest among the groups gnomAD compares: South Asian, 0.0066%; no homozygotes.

Submissions (2):

Ambry Genetics
Classification: Uncertain significance for Inborn genetic diseases. Last evaluated: 2022-07-13. Review status: criteria provided, single submitter. Criteria: Ambry Variant Classification Scheme 2023. Collection method: clinical testing. Allele origin: germline.

Labcorp Genetics (formerly Invitae), Labcorp
Classification: Uncertain significance for Myasthenic syndrome, congenital, 22. Last evaluated: 2022-05-11. Review status: criteria provided, single submitter. Criteria: Invitae Variant Classification Sherloc (09022015). Collection method: clinical testing. Allele origin: germline.
Comment: This variant has not been reported in the literature in individuals affected with PREPL-related conditions. Algorithms developed to predict the effect of missense changes on protein structure and function output the following: SIFT: "Deleterious"; PolyPhen-2: "Benign"; Align-GVGD: "Class C0". The leucine amino acid residue is found in multiple mammalian species, which suggests that this missense change does not adversely affect protein function. In summary, the available evidence is currently insufficient to determine the role of this variant in disease. Therefore, it has been classified as a Variant of Uncertain Significance. This variant is present in population databases (no rsID available, gnomAD 0.01%). This sequence change replaces serine, which is neutral and polar, with leucine, which is neutral and non-polar, at codon 59 of the PREPL protein (p.Ser59Leu).